The following is an entry in ClinVar:

ClinVar aggregate classification (germline): Benign (0 of 4 stars; one submission).

Conditions:
MUC16-related disorder. Also called: MUC16-related condition.

Allele frequency attached by ClinVar (database versions not stated): 1000 Genomes Project 30x 0.20940; 1000 Genomes Project 0.21046; TOPMed 0.22321; gnomAD 0.22535; ESP Exome Variant Server 0.22901; ExAC 0.25322; gnomAD exomes 0.28917.

Submission:

PreventionGenetics, part of Exact Sciences
Classification: Benign for MUC16-related condition. Last evaluated: 2019-10-22. Review status: no assertion criteria provided. Collection method: clinical testing. Allele origin: germline.
Comment: This variant is classified as benign based on ACMG/AMP sequence variant interpretation guidelines (Richards et al. 2015 PMID: 25741868, with internal and published modifications).

NM_001401501.2(MUC16):c.11931C>T (p.Ser3977=)

Gene: MUC16 (mucin 16, cell surface associated; minus strand). Cytogenetic location: 19p13.2.
Variant type: single nucleotide variant.
Coding change: c.11931C>T on transcript NM_001401501.2 (MANE Select); coding-DNA position 11931, C replaced by T.
Protein change: p.Ser3977=; no amino-acid change (serine 3977 retained).
Molecular consequence: synonymous variant.
Genome position (GRCh38, 1-based): chr19:8,964,959, G>A on the plus strand (C>T on the coding strand, the complement: MUC16 is on the minus strand). VCF-style: chr19-8964959-G-A. GRCh37 (hg19) VCF-style: chr19-9075635-G-A.
Other names: c.12357C>T, p.Ser4119= (NM_001414686.1); c.11811C>T, p.Ser3937= (NM_001414687.1, NM_024690.2).
Identifiers: ClinVar variation 3060933 (VCV003060933.2), dbSNP rs2547070, ClinGen allele CA9171167.
Genomic context (GRCh38, chr19:8,964,959, plus strand): 5'-GACCCAGCCTGTGGTCTCTACTGTGTTTGTAGAAGGGTGAATTGCCTCTTTGTCTGTGGT[G>A]GACTCAGAAGGGGCAATTCTCTCATATGGGCTGCTTTTCCAACTTGGGGATGAAGTCGTC-3'
Protein context (NP_001388430.1, residues 3967-3987): SPYERIAPSE[Ser3977=]TTDKEAIHPS